The following is an entry in ClinVar:

NM_001035.3(RYR2):c.5149G>A (p.Ala1717Thr)

Gene: RYR2 (ryanodine receptor 2; plus strand). Cytogenetic location: 1q43.
Variant type: single nucleotide variant.
Coding change: c.5149G>A on transcript NM_001035.3 (MANE Select); coding-DNA position 5149, G replaced by A.
Protein change: p.Ala1717Thr; replaces alanine 1717 with threonine.
Molecular consequence: missense variant.
Genome position (GRCh38, 1-based): chr1:237,614,277, G>A. VCF-style: chr1-237614277-G-A. GRCh37 (hg19) VCF-style: chr1-237777577-G-A.
Other names: short protein forms A1717T.
Identifiers: ClinVar variation 3072639 (VCV003072639.1), dbSNP rs547829995, ClinGen allele CA345404122.

ClinVar aggregate classification (germline): Uncertain significance (1 of 4 stars; one submission).

Conditions:
Catecholaminergic polymorphic ventricular tachycardia (CVPT). Also called: Catecholamine-induced polymorphic ventricular tachycardia. Identifiers: Orphanet 3286, MedGen C5574922, MONDO:0017990.

Submission:

All of Us Research Program, National Institutes of Health
Classification: Uncertain significance for Catecholaminergic polymorphic ventricular tachycardia. Last evaluated: 2023-11-10. Review status: criteria provided, single submitter. Criteria: ACMG Guidelines, 2015. Collection method: clinical testing. Allele origin: germline. Inheritance: Autosomal dominant inheritance. Observed: 1 variant allele, 1 heterozygote.
Comment: This study involves interpretation of variants in research participants for the purpose of population health screening. Participant phenotype was not available at the time of variant classification. Additional details can be found in publication PMID: 35346344, PMCID: PMC8962531